The following is an entry in ClinVar:

NM_000518.5(HBB):c.41C>T (p.Ala14Val)

Genes: HBB (hemoglobin subunit beta; minus strand), LOC106099062 (HBB recombination region; plus strand), LOC107133510 (origin of replication at HBB; plus strand). Cytogenetic location: 11p15.4.
Variant type: single nucleotide variant.
Coding change: c.41C>T on transcript NM_000518.5 (MANE Select); coding-DNA position 41, C replaced by T.
Protein change: p.Ala14Val; replaces alanine 14 with valine.
Molecular consequence: missense variant.
Genome position (GRCh38, 1-based): chr11:5,226,981, G>A on the plus strand (C>T on the coding strand, the complement: HBB is on the minus strand). VCF-style: chr11-5226981-G-A. GRCh37 (hg19) VCF-style: chr11-5248211-G-A.
Other names: short protein forms A14V.
Identifiers: ClinVar variation 619858 (VCV000619858.6), dbSNP rs35203747, ClinGen allele CA379274902.

ClinVar aggregate classification (germline): Uncertain significance. Review status: criteria provided, multiple submitters, no conflicts (2 of 4 stars). 4 submissions from 4 submitters: Uncertain significance (3). 1 of the submissions does not count toward it. Last evaluated 2025-05-02.

Conditions:
beta Thalassemia (BTHAL). Also called: Cooley's anemia; Erythroblastic anemia; Mediterranean anemia. Identifiers: Orphanet 848, MedGen C0005283, MONDO:0019402. Disease mechanism: loss of function.

Allele frequency attached by ClinVar (database versions not stated): gnomAD 0.00002; gnomAD exomes below 0.00001 and 0.00001; TOPMed 0.00001.
gnomAD v4.1: 23 of 1,613,376 alleles (0.0014%); highest among the groups gnomAD compares: Non-Finnish European, 0.0019%; no homozygotes.

Submissions (4):

Women's Health and Genetics/Laboratory Corporation of America, LabCorp
Classification: Uncertain significance. Last evaluated: 2025-05-02. Review status: criteria provided, single submitter. Criteria: LabCorp Variant Classification Summary - May 2015. Collection method: clinical testing. Allele origin: germline.
Comment: Variant summary: HBB c.41C>T (p.Ala14Val) results in a non-conservative amino acid change in the encoded protein sequence. Algorithms developed to predict the effect of missense changes on protein structure and function are either unavailable or do not agree on the potential impact of this missense change. The variant allele was found at a frequency of 4e-06 in 251210 control chromosomes. The available data on variant occurrences in the general population are insufficient to allow any conclusion about variant significance. c.41C>T (also known as CD 13(C>T) or Hb Yulin) has been reported in individuals in the context of beta-thalassemia, present on its own or together with other variants (Colah_2009, Agarwal_2000, Su_2022). These reports do not provide unequivocal conclusions about association of the variant with Hemoglobinopathy. To our knowledge, no experimental evidence demonstrating an impact on protein function has been reported. The following publications have been ascertained in the context of this evaluation (PMID: 19254853, 11074564, 35535583). ClinVar contains an entry for this variant (Variation ID: 619858). Based on the evidence outlined above, the variant was classified as uncertain significance.

Genetics Laboratory, Al-Manara University for Medical Sciences
Classification: Uncertain significance. Last evaluated: 2024-05-24. Review status: criteria provided, single submitter. Criteria: ACMG Guidelines, 2015. Collection method: research. Allele origin: germline.
Comment: The HBB:c.41C>T missense variant in the HBB gene (NM_000518.5), located in the exon 1, has been reported in ClinVar (SCV000889372.2, SCV001363916.1 and SCV002091608.1). The variant allele was found at a total Frequency of exomes and genomes 0.00001426 (gnomAD4.1). Variant summary: HBB c.41C>T (p.Ala14Val) results in a non-conservative amino acid change in the encoded protein sequence. The HBB:c.41C>T variant meets criteria to be classified as a variant of uncertain significance for beta-thalassemia based on the ACMG/AMP criteria applied: PM1_Moderate, PM5_Moderate, PM2_Supporting, BP4_Moderate.

Quest Diagnostics Nichols Institute San Juan Capistrano
Classification: Uncertain significance. Last evaluated: 2018-08-06. Review status: criteria provided, single submitter. Criteria: Quest Diagnostics criteria. Collection method: clinical testing. Allele origin: germline.

Natera, Inc.
Classification: Uncertain significance for Beta thalassemia. Last evaluated: 2019-05-22. Review status: no assertion criteria provided. Collection method: clinical testing. Allele origin: germline. Not counted in ClinVar's aggregate classification.

Literature cited by the submitters: PubMed 19254853 (cited by Women's Health and Genetics/Laboratory Corporation of America, LabCorp and Genetics Laboratory, Al-Manara University for Medical Sciences); PubMed 11074564 (cited by Women's Health and Genetics/Laboratory Corporation of America, LabCorp and Genetics Laboratory, Al-Manara University for Medical Sciences); PubMed 35535583 (cited by Women's Health and Genetics/Laboratory Corporation of America, LabCorp).